The following is an entry in ClinVar:

NM_006180.6(NTRK2):c.2382C>G (p.Cys794Trp)

Gene: NTRK2 (neurotrophic receptor tyrosine kinase 2; plus strand). Cytogenetic location: 9q21.33.
Variant type: single nucleotide variant.
Coding change: c.2382C>G on transcript NM_006180.6 (MANE Select); coding-DNA position 2382, C replaced by G.
Protein change: p.Cys794Trp; replaces cysteine 794 with tryptophan.
Molecular consequence: missense variant.
Genome position (GRCh38, 1-based): chr9:85,021,302, C>G. VCF-style: chr9-85021302-C-G. GRCh37 (hg19) VCF-style: chr9-87636217-C-G.
Other names: c.2334C>G, p.Cys778Trp (NM_001018064.3, NM_001369532.1, NM_001369533.1); c.2298C>G, p.Cys766Trp (NM_001369534.1); c.1866C>G, p.Cys622Trp (NM_001369535.1); c.1914C>G, p.Cys638Trp (NM_001369536.1); short protein forms C622W, C638W, C766W, C778W, C794W.
Identifiers: ClinVar variation 3347946 (VCV003347946.1).

ClinVar aggregate classification (germline): Uncertain significance (0 of 4 stars; one submission).

Conditions:
NTRK2-related disorder. Also called: NTRK2-related condition.

Submission:

PreventionGenetics, part of Exact Sciences
Classification: Uncertain significance for NTRK2-related condition. Last evaluated: 2024-07-03. Review status: no assertion criteria provided. Collection method: clinical testing. Allele origin: germline.
Comment: The NTRK2 c.2382C>G variant is predicted to result in the amino acid substitution p.Cys794Trp. To our knowledge, this variant has not been reported in the literature or in a large population database, indicating this variant is rare. At this time, the clinical significance of this variant is uncertain due to the absence of conclusive functional and genetic evidence.